The following is an entry in ClinVar:

ClinVar aggregate classification (germline): Uncertain significance (1 of 4 stars; one submission).

gnomAD v4.1: 28 of 1,613,408 alleles (0.0017%); highest among the groups gnomAD compares: Middle Eastern, 0.017%; no homozygotes.

Submission:

Labcorp Genetics (formerly Invitae), Labcorp
Classification: Uncertain significance. Last evaluated: 2022-06-07. Review status: criteria provided, single submitter. Criteria: Invitae Variant Classification Sherloc (09022015). Collection method: clinical testing. Allele origin: germline.
Comment: In summary, the available evidence is currently insufficient to determine the role of this variant in disease. Therefore, it has been classified as a Variant of Uncertain Significance. Algorithms developed to predict the effect of missense changes on protein structure and function (SIFT, PolyPhen-2, Align-GVGD) all suggest that this variant is likely to be disruptive. This variant has not been reported in the literature in individuals affected with GLYCTK-related conditions. This variant is present in population databases (rs527816089, gnomAD 0.007%). This sequence change replaces glycine, which is neutral and non-polar, with tryptophan, which is neutral and slightly polar, at codon 225 of the GLYCTK protein (p.Gly225Trp).

NM_145262.4(GLYCTK):c.673G>T (p.Gly225Trp)

Gene: GLYCTK (glycerate kinase; plus strand). Cytogenetic location: 3p21.2.
Variant type: single nucleotide variant.
Coding change: c.673G>T on transcript NM_145262.4 (MANE Select); coding-DNA position 673, G replaced by T.
Protein change: p.Gly225Trp; replaces glycine 225 with tryptophan.
Molecular consequence: missense variant. On other transcripts: non-coding transcript variant (3), intron variant (1).
Genome position (GRCh38, 1-based): chr3:52,291,890, G>T. VCF-style: chr3-52291890-G-T. GRCh37 (hg19) VCF-style: chr3-52325906-G-T.
Other names: c.530-370G>T (NM_001144951.2); short protein forms G225W.
Identifiers: ClinVar variation 1919349 (VCV001919349.5), dbSNP rs527816089, ClinGen allele CA2432146.